The following is an entry in ClinVar:

NM_015102.5(NPHP4):c.1025G>A (p.Arg342His)

Gene: NPHP4 (nephrocystin 4; minus strand). Cytogenetic location: 1p36.31.
Variant type: single nucleotide variant.
Coding change: c.1025G>A on transcript NM_015102.5 (MANE Select); coding-DNA position 1025, G replaced by A.
Protein change: p.Arg342His; replaces arginine 342 with histidine.
Molecular consequence: missense variant. On other transcripts: 5 prime UTR variant (2), non-coding transcript variant (1).
Genome position (GRCh38, 1-based): chr1:5,947,198, C>T on the plus strand (G>A on the coding strand, the complement: NPHP4 is on the minus strand). VCF-style: chr1-5947198-C-T. GRCh37 (hg19) VCF-style: chr1-6007258-C-T.
Other names: c.-342G>A (NM_001291593.2, NM_001291594.2); short protein forms R342H.
Identifiers: ClinVar variation 594214 (VCV000594214.16), dbSNP rs369550765, ClinGen allele CA554664.

ClinVar aggregate classification (germline): Uncertain significance. Review status: criteria provided, multiple submitters, no conflicts (2 of 4 stars). 4 submissions from 4 submitters: Uncertain significance (4). Last evaluated 2025-12-23.

Conditions:
Nephronophthisis 4 (NPHP4). Also called: NEPHRONOPHTHISIS 4, JUVENILE. Identifiers: Orphanet 655, MedGen C1847013, MONDO:0011752, OMIM 606966.
Senior-Loken syndrome 4 (SLSN4). Identifiers: Orphanet 3156, MedGen C1846979, MONDO:0011756, OMIM 606996.
NPHP4-related disorder. Also called: NPHP4-related disorders; NPHP4-related condition. Identifiers: MedGen CN239384.
Nephronophthisis. Also called: Juvenile Nephronophthisis. Identifiers: Orphanet 655, MedGen C0687120, MONDO:0019005, HP:0000090.

Allele frequency attached by ClinVar (database versions not stated): gnomAD exomes 0.00002 and 0.00006; TOPMed 0.00004; ExAC 0.00005; gnomAD 0.00006; ESP Exome Variant Server 0.00008; 1000 Genomes Project 30x 0.00016; 1000 Genomes Project 0.00020.
gnomAD v4.1: 44 of 1,613,816 alleles (0.0027%); highest among the groups gnomAD compares: Admixed American, 0.01%; no homozygotes.

Submissions (4):

PreventionGenetics, part of Exact Sciences
Classification: Uncertain significance for NPHP4-related condition. Last evaluated: 2025-12-23. Review status: criteria provided, single submitter. Criteria: ACMG Guidelines, 2015. Collection method: clinical testing. Allele origin: germline.
Comment: The NPHP4 c.1025G>A variant is predicted to result in the amino acid substitution p.Arg342His. To our knowledge, this variant has not been reported in the literature. This variant is reported in 0.040% of alleles in individuals of Ashkenazi Jewish descent in gnomAD. At this time, the clinical significance of this variant is uncertain due to the absence of conclusive functional and genetic evidence.

Fulgent Genetics
Classification: Uncertain significance for Nephronophthisis 4; Senior-Loken syndrome 4. Last evaluated: 2024-06-10. Review status: criteria provided, single submitter. Criteria: ACMG Guidelines, 2015. Collection method: clinical testing. Allele origin: germline.

Labcorp Genetics (formerly Invitae), Labcorp
Classification: Uncertain significance for Nephronophthisis. Last evaluated: 2024-04-24. Review status: criteria provided, single submitter. Criteria: Invitae Variant Classification Sherloc (09022015). Collection method: clinical testing. Allele origin: germline.
Comment: This sequence change replaces arginine, which is basic and polar, with histidine, which is basic and polar, at codon 342 of the NPHP4 protein (p.Arg342His). This variant is present in population databases (rs369550765, gnomAD 0.04%). This variant has not been reported in the literature in individuals affected with NPHP4-related conditions. ClinVar contains an entry for this variant (Variation ID: 594214). Advanced modeling of protein sequence and biophysical properties (such as structural, functional, and spatial information, amino acid conservation, physicochemical variation, residue mobility, and thermodynamic stability) performed at Invitae indicates that this missense variant is not expected to disrupt NPHP4 protein function with a negative predictive value of 80%. In summary, the available evidence is currently insufficient to determine the role of this variant in disease. Therefore, it has been classified as a Variant of Uncertain Significance.

Eurofins Ntd Llc (ga)
Classification: Uncertain significance. Last evaluated: 2017-09-29. Review status: criteria provided, single submitter. Criteria: EGL Classification Definitions 2015. Collection method: clinical testing. Allele origin: germline. Observed: 1 variant allele, 1 heterozygote.